The following is an entry in ClinVar:

ClinVar aggregate classification (germline): Likely pathogenic (1 of 4 stars; one submission).

Conditions:
Peripheral neuropathy, autosomal recessive, with or without impaired intellectual development. Identifiers: MedGen C4748283, MONDO:0029131, OMIM 618124.

Submission:

Women's Health and Genetics/Laboratory Corporation of America, LabCorp
Classification: Likely pathogenic for Peripheral neuropathy, autosomal recessive, with or without impaired intellectual development. Last evaluated: 2025-01-30. Review status: criteria provided, single submitter. Criteria: LabCorp Variant Classification Summary - May 2015. Collection method: clinical testing. Allele origin: germline.
Comment: Variant summary: MCM3AP c.3335+1G>A is located in a canonical splice-site and is predicted to affect mRNA splicing resulting in a significantly altered protein due to either exon skipping, shortening, or inclusion of intronic material. Variants that disrupt the consensus splice site are a relatively common cause of aberrant splicing and loss of MCM3AP function. Several computational tools predict a significant impact on normal splicing: Four predict the variant abolishes a 5' splicing donor site. However, these predictions have yet to be confirmed by functional studies. The variant was absent in 249100 control chromosomes. To our knowledge, no occurrence of c.3335+1G>A in individuals affected with Peripheral neuropathy, autosomal recessive, with or without impaired intellectual development and no experimental evidence demonstrating its impact on protein function have been reported. No submitters have cited clinical-significance assessments for this variant to ClinVar. Based on the evidence outlined above, the variant was classified as likely pathogenic.

NM_003906.5(MCM3AP):c.3335+1G>A

Gene: MCM3AP (minichromosome maintenance complex component 3 associated protein; minus strand). Cytogenetic location: 21q22.3.
Variant type: single nucleotide variant.
Coding change: c.3335+1G>A on transcript NM_003906.5 (MANE Select); the canonical splice donor site of the intron after coding-DNA position 3335, G replaced by A.
Molecular consequence: splice donor variant.
Genome position (GRCh38, 1-based): chr21:46,264,116, C>T on the plus strand (G>A on the coding strand, the complement: MCM3AP is on the minus strand). VCF-style: chr21-46264116-C-T. GRCh37 (hg19) VCF-style: chr21-47684030-C-T.
Identifiers: ClinVar variation 3769521 (VCV003769521.2).